The following is an entry in ClinVar:

NM_000090.4(COL3A1):c.1924-13_1924-2del

Gene: COL3A1 (collagen type III alpha 1 chain; plus strand). Cytogenetic location: 2q32.2.
Variant type: Deletion.
Coding change: c.1924-13_1924-2del on transcript NM_000090.4 (MANE Select); 13 bases into the intron before coding-DNA position 1924 through the canonical splice acceptor site of the intron before coding-DNA position 1924, 12 bases deleted (TGATTCTTTCTA).
Molecular consequence: splice acceptor variant.
Genome position (GRCh38, 1-based): chr2:188,998,253-188,998,264, TGATTCTTTCTA deleted; deleting any 12 consecutive bases within chr2:188,998,251-188,998,264 gives the same sequence; the c. name uses the placement nearest the transcript's 3' end. VCF-style (leftmost placement, unchanged base first): chr2-188998250-ATATGATTCTTTC-A. GRCh37 (hg19) VCF-style: chr2-189862976-ATATGATTCTTTC-A.
Identifiers: ClinVar variation 2109959 (VCV002109959.4), dbSNP rs2469141078, ClinGen allele CA2580065289.

ClinVar aggregate classification (germline): Uncertain significance (1 of 4 stars; one submission).

Conditions:
Ehlers-Danlos syndrome, type 4 (EDSVASC). Also called: Ehlers-Danlos syndrome vascular type; Ehlers Danlos syndrome, ecchymotic type; Ehlers Danlos syndrome, arterial type; Ehlers Danlos syndrome, Sack-Barabas type; Ehlers-Danlos Syndrome Type IV. Identifiers: Orphanet 286, MedGen C0268338, MONDO:0017314, OMIM 130050.

Submission:

Labcorp Genetics (formerly Invitae), Labcorp
Classification: Uncertain significance for Ehlers-Danlos syndrome, type 4. Last evaluated: 2022-03-12. Review status: criteria provided, single submitter. Criteria: Invitae Variant Classification Sherloc (09022015). Collection method: clinical testing. Allele origin: germline.
Comment: In summary, the available evidence is currently insufficient to determine the role of this variant in disease. Therefore, it has been classified as a Variant of Uncertain Significance. Algorithms developed to predict the effect of sequence changes on RNA splicing suggest that this variant may disrupt the consensus splice site. This variant has been observed in individual(s) with clinical features of vascular Ehlers-Danlos syndrome (external communication). This variant is not present in population databases (gnomAD no frequency). This sequence change falls in intron 27 of the COL3A1 gene. It does not directly change the encoded amino acid sequence of the COL3A1 protein.